The following is an entry in ClinVar:

NM_212482.4(FN1):c.4804G>A (p.Gly1602Arg)

Gene: FN1 (fibronectin 1; minus strand). Cytogenetic location: 2q35.
Variant type: single nucleotide variant.
Coding change: c.4804G>A on transcript NM_212482.4 (MANE Select); coding-DNA position 4804, G replaced by A.
Protein change: p.Gly1602Arg; replaces glycine 1602 with arginine.
Molecular consequence: missense variant.
Genome position (GRCh38, 1-based): chr2:215,384,110, C>T on the plus strand (G>A on the coding strand, the complement: FN1 is on the minus strand). VCF-style: chr2-215384110-C-T. GRCh37 (hg19) VCF-style: chr2-216248833-C-T.
Other names: c.4804G>A, p.Gly1602Arg (NM_001306129.2, NM_001306130.2, NM_001365517.2 and 3 more transcripts); c.4531G>A, p.Gly1511Arg (NM_001306131.2, NM_001306132.2, NM_001365518.2 and 7 more transcripts); short protein forms G1511R, G1602R.
Identifiers: ClinVar variation 2006955 (VCV002006955.4), dbSNP rs1386476398, ClinGen allele CA350479184.

ClinVar aggregate classification (germline): Uncertain significance (1 of 4 stars; one submission).

Allele frequency attached by ClinVar (database versions not stated): gnomAD exomes below 0.00001.
gnomAD v4.1: 1 of 1,614,118 alleles (0.000062%); highest among the groups gnomAD compares: Admixed American, 0.0017%; no homozygotes.

Submission:

Labcorp Genetics (formerly Invitae), Labcorp
Classification: Uncertain significance. Last evaluated: 2022-06-15. Review status: criteria provided, single submitter. Criteria: Invitae Variant Classification Sherloc (09022015). Collection method: clinical testing. Allele origin: germline.
Comment: In summary, the available evidence is currently insufficient to determine the role of this variant in disease. Therefore, it has been classified as a Variant of Uncertain Significance. Algorithms developed to predict the effect of missense changes on protein structure and function are either unavailable or do not agree on the potential impact of this missense change (SIFT: "Not Available"; PolyPhen-2: "Probably Damaging"; Align-GVGD: "Not Available"). This variant has not been reported in the literature in individuals affected with FN1-related conditions. This variant is not present in population databases (gnomAD no frequency). This sequence change replaces glycine, which is neutral and non-polar, with arginine, which is basic and polar, at codon 1602 of the FN1 protein (p.Gly1602Arg).